The following is an entry in ClinVar:

NM_006663.4(PPP1R13L):c.1509G>A (p.Ser503=)

Gene: PPP1R13L (protein phosphatase 1 regulatory subunit 13 like; minus strand). Cytogenetic location: 19q13.32.
Variant type: single nucleotide variant.
Coding change: c.1509G>A on transcript NM_006663.4 (MANE Select); coding-DNA position 1509, G replaced by A.
Protein change: p.Ser503=; no amino-acid change (serine 503 retained).
Molecular consequence: synonymous variant.
Genome position (GRCh38, 1-based): chr19:45,392,186, C>T on the plus strand (G>A on the coding strand, the complement: PPP1R13L is on the minus strand). VCF-style: chr19-45392186-C-T. GRCh37 (hg19) VCF-style: chr19-45895444-C-T.
Other names: c.1509G>A, p.Ser503= (NM_001142502.2).
Identifiers: ClinVar variation 3895395 (VCV003895395.1), dbSNP rs149125145.

ClinVar aggregate classification (germline): Likely benign (1 of 4 stars; one submission).

gnomAD v4.1: 128 of 1,610,494 alleles (0.0079%); highest among the groups gnomAD compares: East Asian, 0.016%; no homozygotes.

Submission:

Molecular Diagnostic Laboratory for Inherited Cardiovascular Disease, Montreal Heart Institute
Classification: Likely benign. Last evaluated: 2025-04-09. Review status: criteria provided, single submitter. Criteria: ACMG Guidelines, 2015. Collection method: clinical testing. Allele origin: germline. Affected: no.
Comment: BP7